The following is an entry in ClinVar:

NM_001943.5(DSG2):c.861_862delinsTC (p.Val288Leu)

Gene: DSG2 (desmoglein 2; plus strand). Cytogenetic location: 18q12.1.
Variant type: Indel.
Coding change: c.861_862delinsTC on transcript NM_001943.5 (MANE Select); coding-DNA positions 861 to 862, CG replaced by TC.
Protein change: p.Val288Leu; replaces valine 288 with leucine.
Molecular consequence: missense variant.
Genome position (GRCh38, 1-based): chr18:31,524,735-31,524,736, CG replaced by TC. VCF-style: chr18-31524735-CG-TC. GRCh37 (hg19) VCF-style: chr18-29104698-CG-TC.
Other names: c.861_862delCGinsTC (NM_001943.3); short protein forms V288L.
Identifiers: ClinVar variation 1331825 (VCV001331825.8), dbSNP rs2144322697, ClinGen allele CA2573054647.

ClinVar aggregate classification (germline): Uncertain significance. Review status: criteria provided, multiple submitters, no conflicts (2 of 4 stars). 3 submissions from 3 submitters: Uncertain significance (3). Last evaluated 2025-06-16.

Conditions:
Cardiovascular phenotype. Identifiers: MedGen CN230736.
Arrhythmogenic right ventricular dysplasia 10. Also called: Arrhythmogenic right ventricular dysplasia/cardiomyopathy, type 10; Arrhythmogenic Right Ventricular Dysplasia/Cardiomyopathy10; ARRHYTHMOGENIC RIGHT VENTRICULAR DYSPLASIA, FAMILIAL, 10. Identifiers: MedGen C1857777, MONDO:0012434, OMIM 610193.
Cardiomyopathy (CMYO). Also called: Cardiomyopathies. Identifiers: Orphanet 167848, MedGen C0878544, MONDO:0004994, HP:0001638. Inheritance: Various modes of inheritance.

Submissions (3):

Ambry Genetics
Classification: Uncertain significance for Cardiovascular phenotype. Last evaluated: 2025-06-16. Review status: criteria provided, single submitter. Criteria: Ambry Variant Classification Scheme 2023. Collection method: clinical testing. Allele origin: germline.
Comment: The c.861_862delCGinsTC variant, located in coding exon 8 of the DSG2 gene, results from an in-frame deletion of CG and insertion of TC at nucleotide positions 861 to 862. This results in the substitution of the valine residue for a leucine residue at codon 288, an amino acid with highly similar properties. This amino acid position is well conserved in available vertebrate species. In addition, this alteration is predicted to be tolerated by in silico analysis. Based on the available evidence, the clinical significance of this variant remains unclear.

Color Diagnostics, LLC DBA Color Health
Classification: Uncertain significance for Cardiomyopathy. Last evaluated: 2023-12-05. Review status: criteria provided, single submitter. Criteria: ACMG Guidelines, 2015. Collection method: clinical testing. Allele origin: germline.
Comment: This variant replaces valine with leucine at codon 288 of the DSG2 protein. To our knowledge, functional studies have not been reported for this variant. This variant has not been reported in individuals affected with cardiovascular disorders in the literature. This variant has not been identified in the general population by the Genome Aggregation Database (gnomAD). The available evidence is insufficient to determine the role of this variant in disease conclusively. Therefore, this variant is classified as a Variant of Uncertain Significance.

Labcorp Genetics (formerly Invitae), Labcorp
Classification: Uncertain significance for Arrhythmogenic right ventricular dysplasia 10. Last evaluated: 2023-10-14. Review status: criteria provided, single submitter. Criteria: Invitae Variant Classification Sherloc (09022015). Collection method: clinical testing. Allele origin: germline.
Comment: This sequence change replaces valine, which is neutral and non-polar, with leucine, which is neutral and non-polar, at codon 288 of the DSG2 protein (p.Val288Leu). Information on the frequency of this variant in the gnomAD database is not available, as this variant may be reported differently in the database. This variant has not been reported in the literature in individuals affected with DSG2-related conditions. ClinVar contains an entry for this variant (Variation ID: 1331825). Experimental studies and prediction algorithms are not available or were not evaluated, and the functional significance of this variant is currently unknown. In summary, the available evidence is currently insufficient to determine the role of this variant in disease. Therefore, it has been classified as a Variant of Uncertain Significance.